The following is an entry in ClinVar:

NM_017852.5(NLRP2):c.2153T>C (p.Ile718Thr)

Gene: NLRP2 (NLR family pyrin domain containing 2; plus strand). Cytogenetic location: 19q13.42.
Variant type: single nucleotide variant.
Coding change: c.2153T>C on transcript NM_017852.5 (MANE Select); coding-DNA position 2153, T replaced by C.
Protein change: p.Ile718Thr; replaces isoleucine 718 with threonine.
Molecular consequence: missense variant. On other transcripts: non-coding transcript variant (1).
Genome position (GRCh38, 1-based): chr19:54,985,169, T>C. VCF-style: chr19-54985169-T-C. GRCh37 (hg19) VCF-style: chr19-55496537-T-C.
Other names: c.2087T>C, p.Ile696Thr (NM_001174082.3); c.2084T>C, p.Ile695Thr (NM_001174083.2); c.2144T>C, p.Ile715Thr (NM_001348003.2); c.2153T>C, p.Ile718Thr (NM_001174081.3); short protein forms I695T, I696T, I715T, I718T.
Identifiers: ClinVar variation 4537636 (VCV004537636.1).

ClinVar aggregate classification (germline): Uncertain significance (1 of 4 stars; one submission).

Submission:

GeneDx
Classification: Uncertain significance. Last evaluated: 2025-06-10. Review status: criteria provided, single submitter. Criteria: GeneDx Variant Classification Process June 2021. Collection method: clinical testing. Allele origin: germline. Affected: yes.
Comment: Not observed at significant frequency in large population cohorts (gnomAD); In silico analysis supports that this missense variant has a deleterious effect on protein structure/function; Has not been previously published as pathogenic or benign to our knowledge